The following is an entry in ClinVar:

ClinVar aggregate classification (germline): Uncertain significance (1 of 4 stars; one submission).

Submission:

Ambry Genetics
Classification: Uncertain significance. Last evaluated: 2024-07-15. Review status: criteria provided, single submitter. Criteria: Ambry Variant Classification Scheme 2023. Collection method: clinical testing. Allele origin: germline.
Comment: The p.A4S variant (also known as c.10G>T), located in coding exon 1 of the KIF1B gene, results from a G to T substitution at nucleotide position 10. The alanine at codon 4 is replaced by serine, an amino acid with similar properties. This amino acid position is conserved. In addition, the in silico prediction for this alteration is inconclusive. Based on the available evidence, the clinical significance of this variant remains unclear.

NM_001365951.3(KIF1B):c.10G>T (p.Ala4Ser)

Genes: KIF1B (kinesin family member 1B; plus strand), LOC129388446 (MPRA-validated peak64 silencer; plus strand). Cytogenetic location: 1p36.22.
Variant type: single nucleotide variant.
Coding change: c.10G>T on transcript NM_001365951.3 (MANE Select); coding-DNA position 10, G replaced by T.
Protein change: p.Ala4Ser; replaces alanine 4 with serine.
Molecular consequence: missense variant.
Genome position (GRCh38, 1-based): chr1:10,232,338, G>T. VCF-style: chr1-10232338-G-T. GRCh37 (hg19) VCF-style: chr1-10292396-G-T.
Other names: c.10G>T, p.Ala4Ser (NM_001365952.1, NM_001365953.1, NM_015074.3 and 1 more transcripts); short protein forms A4S.
Identifiers: ClinVar variation 3533880 (VCV003533880.1).